The following is an entry in ClinVar:

NM_178170.3(NEK8):c.1147C>T (p.Arg383Cys)

Gene: NEK8 (NIMA related kinase 8; plus strand). Cytogenetic location: 17q11.2.
Variant type: single nucleotide variant.
Coding change: c.1147C>T on transcript NM_178170.3 (MANE Select); coding-DNA position 1147, C replaced by T.
Protein change: p.Arg383Cys; replaces arginine 383 with cysteine.
Molecular consequence: missense variant.
Genome position (GRCh38, 1-based): chr17:28,738,170, C>T. VCF-style: chr17-28738170-C-T. GRCh37 (hg19) VCF-style: chr17-27065188-C-T.
Other names: short protein forms R383C.
Identifiers: ClinVar variation 3581771 (VCV003581771.2).

ClinVar aggregate classification (germline): Uncertain significance. Review status: criteria provided, multiple submitters, no conflicts (2 of 4 stars). 2 submissions from 2 submitters: Uncertain significance (2). Last evaluated 2025-10-26.

Conditions:
Nephronophthisis 9 (NPHP9). Identifiers: Orphanet 655, MedGen C3151188, MONDO:0013444, OMIM 613824.
Polycystic kidney disease 8. Identifiers: MedGen C5935640, MONDO:0971178, OMIM 620903.
Renal-hepatic-pancreatic dysplasia 2 (RHPD2). Identifiers: MedGen C3809434, MONDO:0014174, OMIM 615415.

gnomAD v4.1: 14 of 1,614,016 alleles (0.00087%); highest among the groups gnomAD compares: East Asian, 0.0045%; no homozygotes.

Submissions (2):

Labcorp Genetics (formerly Invitae), Labcorp
Classification: Uncertain significance for Nephronophthisis 9. Last evaluated: 2025-10-26. Review status: criteria provided, single submitter. Criteria: Invitae Variant Classification Sherloc (09022015). Collection method: clinical testing. Allele origin: germline.
Comment: This sequence change replaces arginine, which is basic and polar, with cysteine, which is neutral and slightly polar, at codon 383 of the NEK8 protein (p.Arg383Cys). This variant is present in population databases (no rsID available, gnomAD 0.0009%). This variant has not been reported in the literature in individuals affected with NEK8-related conditions. ClinVar contains an entry for this variant (Variation ID: 3581771). An algorithm developed to predict the effect of missense changes on protein structure and function (PolyPhen-2) suggests that this variant is likely to be disruptive. In summary, the available evidence is currently insufficient to determine the role of this variant in disease. Therefore, it has been classified as a Variant of Uncertain Significance.

Fulgent Genetics
Classification: Uncertain significance for Nephronophthisis 9; Renal-hepatic-pancreatic dysplasia 2; Polycystic kidney disease 8. Last evaluated: 2024-01-25. Review status: criteria provided, single submitter. Criteria: ACMG Guidelines, 2015. Collection method: clinical testing. Allele origin: germline.